The following is an entry in ClinVar:

ClinVar aggregate classification (germline): Uncertain significance (1 of 4 stars; one submission).

Allele frequency attached by ClinVar (database versions not stated): gnomAD 0.00001; TOPMed 0.00001; gnomAD exomes 0.00002 and 0.00004; ExAC 0.00003.
gnomAD v4.1: 54 of 1,614,044 alleles (0.0033%); highest among the groups gnomAD compares: Non-Finnish European, 0.0043%; no homozygotes.

Submission:

Labcorp Genetics (formerly Invitae), Labcorp
Classification: Uncertain significance. Last evaluated: 2022-03-28. Review status: criteria provided, single submitter. Criteria: Invitae Variant Classification Sherloc (09022015). Collection method: clinical testing. Allele origin: germline.
Comment: This sequence change replaces cysteine, which is neutral and slightly polar, with glycine, which is neutral and non-polar, at codon 1080 of the ADAMTS17 protein (p.Cys1080Gly). This variant is present in population databases (rs753229004, gnomAD 0.004%). This variant has not been reported in the literature in individuals affected with ADAMTS17-related conditions. Algorithms developed to predict the effect of missense changes on protein structure and function are either unavailable or do not agree on the potential impact of this missense change (SIFT: "Not Available"; PolyPhen-2: "Probably Damaging"; Align-GVGD: "Not Available"). In summary, the available evidence is currently insufficient to determine the role of this variant in disease. Therefore, it has been classified as a Variant of Uncertain Significance.

NM_139057.4(ADAMTS17):c.3238T>G (p.Cys1080Gly)

Gene: ADAMTS17 (ADAM metallopeptidase with thrombospondin type 1 motif 17; minus strand). Cytogenetic location: 15q26.3.
Variant type: single nucleotide variant.
Coding change: c.3238T>G on transcript NM_139057.4 (MANE Select); coding-DNA position 3238, T replaced by G.
Protein change: p.Cys1080Gly; replaces cysteine 1080 with glycine.
Molecular consequence: missense variant.
Genome position (GRCh38, 1-based): chr15:99,974,452, A>C on the plus strand (T>G on the coding strand, the complement: ADAMTS17 is on the minus strand). VCF-style: chr15-99974452-A-C. GRCh37 (hg19) VCF-style: chr15-100514657-A-C.
Other names: short protein forms C1080G.
Identifiers: ClinVar variation 1508958 (VCV001508958.5), dbSNP rs753229004, ClinGen allele CA7757415.
Genomic context (GRCh38, chr15:99,974,452, plus strand): 5'-GGACTGCGTGTCACGAGTTCGGCGGTGGCTGGCGCATCTTGTTTGCATAGAAGTCCCTGC[A>C]GGTCTGGCAGCAGCGCTGGTACCACCGCATGTCCTGGCAGAGGTTCTTTTCTCGGATGAC-3'
Protein context (NP_620688.2, residues 1070-1090): MRWYQRCCQT[Cys1080Gly]RDFYANKMRQ